The following is an entry in ClinVar:

ClinVar aggregate classification (germline): Uncertain significance (1 of 4 stars; one submission).

Conditions:
Brugada syndrome. Also called: Sudden unexpected nocturnal death syndrome; Sudden unexplained nocturnal death syndrome; Sudden Unexplained Death Syndrome; Sudden Unexplained Nocturnal Death Syndrome (SUNDS). Identifiers: Orphanet 130, MedGen C1142166, MONDO:0015263.

Submission:

Labcorp Genetics (formerly Invitae), Labcorp
Classification: Uncertain significance for Brugada syndrome. Last evaluated: 2025-10-27. Review status: criteria provided, single submitter. Criteria: Invitae Variant Classification Sherloc (09022015). Collection method: clinical testing. Allele origin: germline.
Comment: This sequence change replaces leucine, which is neutral and non-polar, with proline, which is neutral and non-polar, at codon 1078 of the CACNA2D1 protein (p.Leu1078Pro). This variant is not present in population databases (gnomAD no frequency). This variant has not been reported in the literature in individuals affected with CACNA2D1-related conditions. An algorithm developed to predict the effect of missense changes on protein structure and function (PolyPhen-2) suggests that this variant is likely to be disruptive. In summary, the available evidence is currently insufficient to determine the role of this variant in disease. Therefore, it has been classified as a Variant of Uncertain Significance.

NM_000722.4(CACNA2D1):c.3233T>C (p.Leu1078Pro)

Gene: CACNA2D1 (calcium voltage-gated channel auxiliary subunit alpha2delta 1; minus strand). Cytogenetic location: 7q21.11.
Variant type: single nucleotide variant.
Coding change: c.3233T>C on transcript NM_000722.4 (MANE Select); coding-DNA position 3233, T replaced by C.
Protein change: p.Leu1078Pro; replaces leucine 1078 with proline.
Molecular consequence: missense variant.
Genome position (GRCh38, 1-based): chr7:81,950,435, A>G on the plus strand (T>C on the coding strand, the complement: CACNA2D1 is on the minus strand). VCF-style: chr7-81950435-A-G. GRCh37 (hg19) VCF-style: chr7-81579751-A-G.
Other names: c.3269T>C, p.Leu1090Pro (NM_001366867.1); short protein forms L1090P, L1078P.
Identifiers: ClinVar variation 4730020 (VCV004730020.1).